The following continues an entry in ClinVar:

NM_001134363.3(RBM20):c.1907G>A (p.Arg636His)

Gene: RBM20. ClinVar aggregate classification (germline): Pathogenic/Likely pathogenic. Pathogenic (15); Likely pathogenic (2).

Submissions 10 to 20 of 20:

Women's Health and Genetics/Laboratory Corporation of America, LabCorp
Classification: Pathogenic for Primary familial dilated cardiomyopathy. Last evaluated: 2022-10-17. Review status: criteria provided, single submitter. Criteria: LabCorp Variant Classification Summary - May 2015. Collection method: clinical testing. Allele origin: germline.
Comment: Variant summary: RBM20 c.1907G>A (p.Arg636His) results in a non-conservative amino acid change located in the arginine/serine-rich region (RS) domain of the encoded protein sequence (Filippello_2013). Five of five in-silico tools predict a damaging effect of the variant on protein function. The variant was absent in 154548 control chromosomes., c.1907G>A, has been reported in the literature in multiple individuals affected with Dilated Cardiomyopathy and was shown to segregate with disease in a large DCM family (example Wells_2013, Brauch_2009, Akinrinade_2015 and Garcia-Molina_2019 etc.). These data indicate that the variant is very likely to be associated with disease. Additionally, other variants affecting the same codon have also been reported in association with DCM (p.Arg636Cys, p.Arg636Ser), strongly suggesting the importance of the codon. To our knowledge, no experimental evidence demonstrating an impact on protein function has been reported. Eight clinical diagnostic laboratories have submitted clinical-significance assessments for this variant to ClinVar after 2014 without evidence for independent evaluation. All laboratories classified the variant as pathogenic (n=6) and likely pathogenic (n=2). Based on the evidence outlined above, the variant was classified as pathogenic.

Institute for Clinical Genetics, University Hospital TU Dresden, University Hospital TU Dresden
Classification: Pathogenic. Last evaluated: 2022-05-04. Review status: criteria provided, single submitter. Criteria: ACMG Guidelines, 2015. Collection method: clinical testing. Allele origin: germline.
Comment: PS4, PP3, PM1, PM5

GeneDx
Classification: Pathogenic. Last evaluated: 2022-03-21. Review status: criteria provided, single submitter. Criteria: GeneDx Variant Classification Process June 2021. Collection method: clinical testing. Allele origin: germline. Affected: yes.
Comment: Not observed at significant frequency in large population cohorts (gnomAD); In silico analysis supports that this missense variant has a deleterious effect on protein structure/function; This variant is associated with the following publications: (PMID: 24503780, 27532257, 30871348, 26084686, 23861363, 20590677, 19712804, 25448463, 30471092, 30871351, 30972196, 31514951, 33906374, 34088380, 32851336, 33019804)

Center for Advanced Laboratory Medicine, UC San Diego Health, University of California San Diego
Classification: Pathogenic for Cardiomyopathy. Last evaluated: 2018-11-28. Review status: criteria provided, single submitter. Criteria: ACMG Guidelines, 2015. Collection method: clinical testing. Allele origin: germline. Affected: yes. Observed: 1 variant allele.

Fulgent Genetics
Classification: Pathogenic for Dilated cardiomyopathy 1DD. Last evaluated: 2017-05-18. Review status: criteria provided, single submitter. Criteria: ACMG Guidelines, 2015. Collection method: clinical testing. Allele origin: unknown.

Molecular Diagnostic Laboratory for Inherited Cardiovascular Disease, Montreal Heart Institute
Classification: Likely pathogenic for Primary familial dilated cardiomyopathy. Last evaluated: 2016-04-29. Review status: criteria provided, single submitter. Criteria: ACMG Guidelines, 2015. Collection method: clinical testing. Allele origin: germline. Affected: yes.

Center for Medical Genetics Ghent, University of Ghent
Classification: Likely pathogenic for Dilated cardiomyopathy 1DD. Last evaluated: 2016-04-06. Review status: criteria provided, single submitter. Criteria: ACMG Guidelines, 2015. Collection method: clinical testing. Allele origin: germline. Affected: yes.

Laboratory for Molecular Medicine, Mass General Brigham Personalized Medicine
Classification: Pathogenic for Primary dilated cardiomyopathy. Last evaluated: 2015-08-04. Review status: criteria provided, single submitter. Criteria: LMM Criteria. Collection method: clinical testing. Allele origin: germline. Inheritance: Autosomal dominant inheritance. Observed: 11 variant alleles.
Comment: The p.Arg636His variant in RBM20 has been reported in 5 individuals with DCM, se gregated with disease in >20 affected relatives (including multiple obligate car riers), and was absent from over 2000 control chromosomes (Brauch 2009, Li 2010, Wells 2013, LMM unpublished data). In summary, this variant meets our criteria to be classified as pathogenic for DCM in an autosomal dominant manner based upo n segregation studies and absence from controls.

PreventionGenetics, part of Exact Sciences
Classification: Pathogenic for RBM20-related condition. Last evaluated: 2024-07-17. Review status: no assertion criteria provided. Collection method: clinical testing. Allele origin: germline. Not counted in ClinVar's aggregate classification.
Comment: The RBM20 c.1907G>A variant is predicted to result in the amino acid substitution p.Arg636His. This variant has been reported to be causative for dilated cardiomyopathy and found to segregate in multiple families (Brauch et al. 2009. PubMed ID: 19712804; Li et al. 2010. PubMed ID: 20590677; Table S1, Gigli et al. 2019. PubMed ID: 31514951). Functional studies showed that this variant results in aberrant subcellular localization (rat ortholog p.Arg639His in Figure 8, Zhang et al. 2023. PubMed ID: 37219949). This variant has not been reported in a large population database, indicating this variant is rare. Different nucleotide substitutions affecting the same amino acid (p.Arg636Ser, p.Arg636Cys, p.Arg636Leu) have been reported in individuals with dilated cardiomyopathy (Human Gene Mutation Database). Taken together, the c.1907G>A (p.Arg636His) variant is interpreted as pathogenic.

OMIM
Classification: Pathogenic for CARDIOMYOPATHY, DILATED, 1DD. Last evaluated: 2010-06-01. Review status: no assertion criteria provided. Collection method: literature only. Allele origin: germline. Not counted in ClinVar's aggregate classification.

KTest Genetics, KTest
Classification: Pathogenic for Dilated cardiomyopathy 1DD. Review status: no assertion criteria provided. Criteria: ACMG Guidelines, 2015. Collection method: clinical testing. Allele origin: germline. Affected: yes. Not counted in ClinVar's aggregate classification.

Literature cited by the submitters: PubMed 19712804 (cited by 9 submitters); PubMed 20590677 (cited by 8 submitters); PubMed 23861363 (cited by 7 submitters); PubMed 24503780 (cited by Labcorp Genetics (formerly Invitae), Labcorp and North West Genomic Laboratory Hub, Manchester University NHS Foundation Trust); PubMed 26084686 (cited by 3 submitters); PubMed 21483645 (cited by Labcorp Genetics (formerly Invitae), Labcorp); PubMed 30547036 (cited by Dasa); PubMed 30050558 (cited by Dasa); PubMed 35527250 (cited by Dasa and North West Genomic Laboratory Hub, Manchester University NHS Foundation Trust); PubMed 35181673 (cited by Dasa and North West Genomic Laboratory Hub, Manchester University NHS Foundation Trust); PubMed 32851336 (cited by Dasa and North West Genomic Laboratory Hub, Manchester University NHS Foundation Trust); PubMed 33500567 (cited by North West Genomic Laboratory Hub, Manchester University NHS Foundation Trust); PubMed 30972196 (cited by North West Genomic Laboratory Hub, Manchester University NHS Foundation Trust and Women's Health and Genetics/Laboratory Corporation of America, LabCorp); PubMed 30871348 (cited by North West Genomic Laboratory Hub, Manchester University NHS Foundation Trust and Genetics and Molecular Pathology, SA Pathology); PubMed 33019804 (cited by North West Genomic Laboratory Hub, Manchester University NHS Foundation Trust); PubMed 34088380 (cited by North West Genomic Laboratory Hub, Manchester University NHS Foundation Trust); PubMed 25448463 (cited by North West Genomic Laboratory Hub, Manchester University NHS Foundation Trust and Ambry Genetics); PubMed 31514951 (cited by North West Genomic Laboratory Hub, Manchester University NHS Foundation Trust and Genetics and Molecular Pathology, SA Pathology); PubMed 36367695 (cited by North West Genomic Laboratory Hub, Manchester University NHS Foundation Trust); PubMed 35288587 (cited by North West Genomic Laboratory Hub, Manchester University NHS Foundation Trust); PubMed 37652022 (cited by North West Genomic Laboratory Hub, Manchester University NHS Foundation Trust); PubMed 36396199 (cited by North West Genomic Laboratory Hub, Manchester University NHS Foundation Trust); PubMed 30871351 (cited by North West Genomic Laboratory Hub, Manchester University NHS Foundation Trust); PubMed 30471092 (cited by North West Genomic Laboratory Hub, Manchester University NHS Foundation Trust); PubMed 27532257 (cited by North West Genomic Laboratory Hub, Manchester University NHS Foundation Trust); PubMed 33906374 (cited by North West Genomic Laboratory Hub, Manchester University NHS Foundation Trust); PubMed 23886709 (cited by Women's Health and Genetics/Laboratory Corporation of America, LabCorp).